The following is an entry in ClinVar:

NM_006648.4(WNK2):c.3095C>T (p.Ala1032Val)

Gene: WNK2 (WNK lysine deficient protein kinase 2; plus strand). Cytogenetic location: 9q22.31.
Variant type: single nucleotide variant.
Coding change: c.3095C>T on transcript NM_006648.4 (MANE Select); coding-DNA position 3095, C replaced by T.
Protein change: p.Ala1032Val; replaces alanine 1032 with valine.
Molecular consequence: missense variant.
Genome position (GRCh38, 1-based): chr9:93,261,842, C>T. VCF-style: chr9-93261842-C-T. GRCh37 (hg19) VCF-style: chr9-96024124-C-T.
Other names: c.3095C>T, p.Ala1032Val (NM_001282394.3); short protein forms A1032V.
Identifiers: ClinVar variation 4201778 (VCV004201778.1).
Genomic context (GRCh38, chr9:93,261,842, plus strand): 5'-CCTGACTTGCACCTTGTCCCCTGTGCCCCCAGATTCTGCTTGGCCACCCAGCTCCCTATG[C>T]TGTGGACGTCGCCGCTCAGGTCCCCACCGTGCCTGTGCCACCGGCTGCGGTCCTCTCGCC-3'
Protein context (NP_006639.3, residues 1022-1042): QILLGHPAPY[Ala1032Val]VDVAAQVPTV

ClinVar aggregate classification (germline): Uncertain significance (1 of 4 stars; one submission).

Submission:

Ambry Genetics
Classification: Uncertain significance. Last evaluated: 2025-08-19. Review status: criteria provided, single submitter. Criteria: Ambry Variant Classification Scheme 2023. Collection method: clinical testing. Allele origin: germline.
Comment: The p.A1032V variant (also known as c.3095C>T), located in coding exon 12 of the WNK2 gene, results from a C to T substitution at nucleotide position 3095. The alanine at codon 1032 is replaced by valine, an amino acid with similar properties. This amino acid position is conserved. In addition, this alteration is predicted to be tolerated by in silico analysis. Based on the available evidence, the clinical significance of this variant remains unclear.